The following is an entry in ClinVar:

NM_001267550.2(TTN):c.7962G>A (p.Arg2654=)

Gene: TTN (titin; minus strand). Cytogenetic location: 2q31.2.
Variant type: single nucleotide variant.
Coding change: c.7962G>A on transcript NM_001267550.2 (MANE Select); coding-DNA position 7962, G replaced by A.
Protein change: p.Arg2654=; no amino-acid change (arginine 2654 retained).
Molecular consequence: synonymous variant.
Genome position (GRCh38, 1-based): chr2:178,771,365, C>T on the plus strand (G>A on the coding strand, the complement: TTN is on the minus strand). VCF-style: chr2-178771365-C-T. GRCh37 (hg19) VCF-style: chr2-179636092-C-T.
Other names: c.7962G>A, p.Arg2654= (NM_001256850.1, NM_133378.4, NM_133379.5); c.7824G>A, p.Arg2608= (NM_003319.4, NM_133432.3, NM_133437.4).
Identifiers: ClinVar variation 697751 (VCV000697751.16), dbSNP rs1422023102, ClinGen allele CA430125715.

ClinVar aggregate classification (germline): Likely benign. Review status: criteria provided, multiple submitters, no conflicts (2 of 4 stars). 4 submissions from 4 submitters: Likely benign (3). 1 of the submissions does not count toward it. Last evaluated 2026-02-01.

Conditions:
Cardiovascular phenotype. Identifiers: MedGen CN230736.
TTN-related disorder. Also called: TTN-related disorders; TTN-related condition; TTN-related disease.
Autosomal recessive limb-girdle muscular dystrophy type 2J (LGMDR10). Also called: MUSCULAR DYSTROPHY, LIMB-GIRDLE, AUTOSOMAL RECESSIVE 10; Limb-girdle muscular dystrophy, type 2J. Identifiers: Orphanet 140922, MedGen C1837342, MONDO:0012127, OMIM 608807.
Dilated cardiomyopathy 1G (CMD1G). Identifiers: Orphanet 154, MedGen C1858763, MONDO:0011400, OMIM 604145.

Allele frequency attached by ClinVar (database versions not stated): gnomAD 0.00001; TOPMed 0.00002.
gnomAD v4.1: 10 of 1,613,912 alleles (0.00062%); highest among the groups gnomAD compares: East Asian, 0.0045%; no homozygotes.

Submissions (4):

Labcorp Genetics (formerly Invitae), Labcorp
Classification: Likely benign for Dilated cardiomyopathy 1G; Autosomal recessive limb-girdle muscular dystrophy type 2J. Last evaluated: 2026-02-01. Review status: criteria provided, single submitter. Criteria: Invitae Variant Classification Sherloc (09022015). Collection method: clinical testing. Allele origin: germline.

Blueprint Genetics
Classification: Likely benign. Last evaluated: 2024-02-08. Review status: criteria provided, single submitter. Criteria: ACMG Guidelines, 2015. Collection method: clinical testing. Allele origin: germline.

Ambry Genetics
Classification: Likely benign for Cardiovascular phenotype. Last evaluated: 2022-09-05. Review status: criteria provided, single submitter. Criteria: Ambry Variant Classification Scheme 2023. Collection method: clinical testing. Allele origin: germline.

PreventionGenetics, part of Exact Sciences
Classification: Likely benign for TTN-related condition. Last evaluated: 2019-02-28. Review status: no assertion criteria provided. Collection method: clinical testing. Allele origin: germline. Not counted in ClinVar's aggregate classification.
Comment: This variant is classified as likely benign based on ACMG/AMP sequence variant interpretation guidelines (Richards et al. 2015 PMID: 25741868, with internal and published modifications).